The following is an entry in ClinVar:

NM_003193.5(TBCE):c.1270+53A>G

Gene: TBCE (tubulin folding cofactor E; plus strand). Cytogenetic location: 1q42.3.
Variant type: single nucleotide variant.
Coding change: c.1270+53A>G on transcript NM_003193.5 (MANE Select); 53 bases into the intron after coding-DNA position 1270, A replaced by G.
Molecular consequence: intron variant.
Genome position (GRCh38, 1-based): chr1:235,438,975, A>G. VCF-style: chr1-235438975-A-G. GRCh37 (hg19) VCF-style: chr1-235602290-A-G.
Other names: c.1270+53A>G (NM_001079515.3); c.1423+53A>G (NM_001287801.2); c.931+53A>G (NM_001287802.2).
Identifiers: ClinVar variation 2640096 (VCV002640096.24), dbSNP rs923689519, ClinGen allele CA39592882.

ClinVar aggregate classification (germline): Likely benign (1 of 4 stars; one submission).

Allele frequency attached by ClinVar (database versions not stated): gnomAD 0.00002; gnomAD exomes 0.00003.
gnomAD v4.1: 48 of 1,613,268 alleles (0.003%); highest among the groups gnomAD compares: Admixed American, 0.0067%; 1 homozygote.

Submission:

CeGaT Center for Human Genetics Tuebingen
Classification: Likely benign. Last evaluated: 2025-02-01. Review status: criteria provided, single submitter. Criteria: CeGaT Center For Human Genetics Tuebingen Variant Classification Criteria Version 2. Collection method: clinical testing. Allele origin: germline. Affected: yes. Observed: 4 variant alleles.
Comment: TBCE: BP4, BP7